The following is an entry in ClinVar:

NM_004415.4(DSP):c.411T>G (p.Ala137=)

Gene: DSP (desmoplakin; plus strand). Cytogenetic location: 6p24.3.
Variant type: single nucleotide variant.
Coding change: c.411T>G on transcript NM_004415.4 (MANE Select); coding-DNA position 411, T replaced by G.
Protein change: p.Ala137=; no amino-acid change (alanine 137 retained).
Molecular consequence: synonymous variant.
Genome position (GRCh38, 1-based): chr6:7,558,253, T>G. VCF-style: chr6-7558253-T-G. GRCh37 (hg19) VCF-style: chr6-7558486-T-G.
Other names: c.411T>G, p.Ala137= (NM_001008844.3, NM_001319034.2).
Identifiers: ClinVar variation 1130165 (VCV001130165.13), dbSNP rs745536008, ClinGen allele CA040216.

ClinVar aggregate classification (germline): Likely benign. Review status: criteria provided, multiple submitters, no conflicts (2 of 4 stars). 4 submissions from 4 submitters: Likely benign (4). Last evaluated 2025-04-30.

Conditions:
Cardiomyopathy (CMYO). Also called: Cardiomyopathies. Identifiers: Orphanet 167848, MedGen C0878544, MONDO:0004994, HP:0001638. Inheritance: Various modes of inheritance.
Cardiovascular phenotype. Identifiers: MedGen CN230736.
Arrhythmogenic cardiomyopathy with wooly hair and keratoderma. Also called: Dilated cardiomyopathy with woolly hair and keratoderma; Arrhythmogenic cardiomyopathy with woolly hair and keratoderma; PALMOPLANTAR KERATODERMA WITH LEFT VENTRICULAR CARDIOMYOPATHY AND WOOLLY HAIR; Carvajal syndrome. Identifiers: Orphanet 65282, MedGen C1854063, MONDO:0011581, OMIM 605676.
Arrhythmogenic right ventricular dysplasia 8 (ARVD8). Also called: Arrhythmogenic Right Ventricular Dysplasia/Cardiomyopathy 8; ARRHYTHMOGENIC RIGHT VENTRICULAR CARDIOMYOPATHY 8; ARRHYTHMOGENIC RIGHT VENTRICULAR DYSPLASIA, FAMILIAL, 8. Identifiers: MedGen C1843896, MONDO:0011831, OMIM 607450.

Allele frequency attached by ClinVar (database versions not stated): gnomAD exomes below 0.00001 and 0.00001; ExAC 0.00001.
gnomAD v4.1: 8 of 1,614,066 alleles (0.0005%); highest among the groups gnomAD compares: South Asian, 0.0088%; no homozygotes.

Submissions (4):

Ambry Genetics
Classification: Likely benign for Cardiovascular phenotype. Last evaluated: 2025-04-30. Review status: criteria provided, single submitter. Criteria: Ambry Variant Classification Scheme 2023. Collection method: clinical testing. Allele origin: germline.

Labcorp Genetics (formerly Invitae), Labcorp
Classification: Likely benign for Arrhythmogenic cardiomyopathy with wooly hair and keratoderma; Arrhythmogenic right ventricular dysplasia 8. Last evaluated: 2024-10-12. Review status: criteria provided, single submitter. Criteria: Invitae Variant Classification Sherloc (09022015). Collection method: clinical testing. Allele origin: germline.

All of Us Research Program, National Institutes of Health
Classification: Likely benign for Arrhythmogenic cardiomyopathy with wooly hair and keratoderma. Last evaluated: 2023-11-20. Review status: criteria provided, single submitter. Criteria: ACMG Guidelines, 2015. Collection method: clinical testing. Allele origin: germline. Inheritance: Autosomal dominant inheritance. Observed: 3 variant alleles, 3 heterozygotes.
Comment: This study involves interpretation of variants in research participants for the purpose of population health screening. Participant phenotype was not available at the time of variant classification. Additional details can be found in publication PMID: 35346344, PMCID: PMC8962531

Color Diagnostics, LLC DBA Color Health
Classification: Likely benign for Cardiomyopathy. Last evaluated: 2020-10-06. Review status: criteria provided, single submitter. Criteria: ACMG Guidelines, 2015. Collection method: clinical testing. Allele origin: germline.